The following is an entry in ClinVar:

NM_000421.5(KRT10):c.1468G>C (p.Gly490Arg)

Gene: KRT10 (keratin 10; minus strand). Cytogenetic location: 17q21.2.
Variant type: single nucleotide variant.
Coding change: c.1468G>C on transcript NM_000421.5 (MANE Select); coding-DNA position 1468, G replaced by C.
Protein change: p.Gly490Arg; replaces glycine 490 with arginine.
Molecular consequence: missense variant.
Genome position (GRCh38, 1-based): chr17:40,819,067, C>G on the plus strand (G>C on the coding strand, the complement: KRT10 is on the minus strand). VCF-style: chr17-40819067-C-G. GRCh37 (hg19) VCF-style: chr17-38975319-C-G.
Other names: c.1468G>C, p.Gly490Arg (NM_001379366.1); short protein forms G490R.
Identifiers: ClinVar variation 2387533 (VCV002387533.3), dbSNP rs753205769, ClinGen allele CA399389604.

ClinVar aggregate classification (germline): Uncertain significance. Review status: criteria provided, multiple submitters, no conflicts (2 of 4 stars). 2 submissions from 2 submitters: Uncertain significance (2). Last evaluated 2025-04-03.

Conditions:
KRT10-related disorder. Also called: KRT10-related condition.
Inborn genetic diseases. Identifiers: MedGen C0950123, MeSH D030342.

Submissions (2):

PreventionGenetics, part of Exact Sciences
Classification: Uncertain significance for KRT10-related condition. Last evaluated: 2025-04-03. Review status: criteria provided, single submitter. Criteria: ACMG Guidelines, 2015. Collection method: clinical testing. Allele origin: germline.
Comment: The KRT10 c.1468G>C variant is predicted to result in the amino acid substitution p.Gly490Arg. To our knowledge, this variant has not been reported in the literature. This variant is reported in 0.13% of alleles in individuals of African descent in gnomAD, which is more frequent than expected for a pathogenic variant. Although we suspect that this variant may be benign, at this time, the clinical significance of this variant is uncertain due to the absence of conclusive functional and genetic evidence.

Ambry Genetics
Classification: Uncertain significance for Inborn genetic diseases. Last evaluated: 2024-03-25. Review status: criteria provided, single submitter. Criteria: Ambry Variant Classification Scheme 2023. Collection method: clinical testing. Allele origin: germline.